The following is an entry in ClinVar:

ClinVar aggregate classification (germline): Uncertain significance (1 of 4 stars; one submission).

Conditions:
Hypertrophic cardiomyopathy 19. Also called: Familial hypertrophic cardiomyopathy 19. Identifiers: MedGen CN077603, MONDO:0013476.

Allele frequency attached by ClinVar (database versions not stated): gnomAD 0.00003; ESP Exome Variant Server 0.00008; gnomAD exomes 0.00002; TOPMed 0.00002; ExAC 0.00003.
gnomAD v4.1: 34 of 1,613,938 alleles (0.0021%); highest among the groups gnomAD compares: Non-Finnish European, 0.0029%; no homozygotes.

Submission:

Labcorp Genetics (formerly Invitae), Labcorp
Classification: Uncertain significance for Hypertrophic cardiomyopathy 19. Last evaluated: 2024-11-10. Review status: criteria provided, single submitter. Criteria: Invitae Variant Classification Sherloc (09022015). Collection method: clinical testing. Allele origin: germline.
Comment: This sequence change replaces asparagine, which is neutral and polar, with aspartic acid, which is acidic and polar, at codon 223 of the CALR3 protein (p.Asn223Asp). This variant is present in population databases (rs368652672, gnomAD 0.004%). This variant has not been reported in the literature in individuals affected with CALR3-related conditions. ClinVar contains an entry for this variant (Variation ID: 2048636). Invitae Evidence Modeling of protein sequence and biophysical properties (such as structural, functional, and spatial information, amino acid conservation, physicochemical variation, residue mobility, and thermodynamic stability) indicates that this missense variant is not expected to disrupt CALR3 protein function with a negative predictive value of 80%. In summary, the available evidence is currently insufficient to determine the role of this variant in disease. Therefore, it has been classified as a Variant of Uncertain Significance.

NM_145046.5(CALR3):c.667A>G (p.Asn223Asp)

Gene: CALR3 (calreticulin 3; minus strand). Cytogenetic location: 19p13.11.
Variant type: single nucleotide variant.
Coding change: c.667A>G on transcript NM_145046.5 (MANE Select); coding-DNA position 667, A replaced by G.
Protein change: p.Asn223Asp; replaces asparagine 223 with aspartic acid.
Molecular consequence: missense variant.
Genome position (GRCh38, 1-based): chr19:16,483,941, T>C on the plus strand (A>G on the coding strand, the complement: CALR3 is on the minus strand). VCF-style: chr19-16483941-T-C. GRCh37 (hg19) VCF-style: chr19-16594752-T-C.
Other names: short protein forms N223D.
Identifiers: ClinVar variation 2048636 (VCV002048636.4), dbSNP rs368652672, ClinGen allele CA9278327.
Genomic context (GRCh38, chr19:16,483,941, plus strand): 5'-ACAAACTACATTTGTGCACTTTTTAGAGTTGCCCAGGAAAAATTCACACCTGGGCTTTGT[T>C]GTCTTTAGTCTGTTCCCAATCCTTCGATTCTGCCGGGGACGTTTCCTTCTTGAGTGATGT-3'
Protein context (NP_659483.2, residues 213-233): ESKDWEQTKD[Asn223Asp]KAQDWEKHFL